The following is an entry in ClinVar:

ClinVar aggregate classification (germline): Uncertain significance (1 of 4 stars; one submission).

Conditions:
MHC class I deficiency. Identifiers: Orphanet 34592, MedGen C6024714, MONDO:0011476.

Submission:

Labcorp Genetics (formerly Invitae), Labcorp
Classification: Uncertain significance for MHC class I deficiency 1. Last evaluated: 2022-08-13. Review status: criteria provided, single submitter. Criteria: Invitae Variant Classification Sherloc (09022015). Collection method: clinical testing. Allele origin: germline.
Comment: In summary, the available evidence is currently insufficient to determine the role of this variant in disease. Therefore, it has been classified as a Variant of Uncertain Significance. This sequence change replaces threonine, which is neutral and polar, with glycine, which is neutral and non-polar, at codon 260 of the TAPBP protein (p.Thr260Gly). Information on the frequency of this variant in the gnomAD database is not available, as this variant may be reported differently in the database. This variant has not been reported in the literature in individuals affected with TAPBP-related conditions. Algorithms developed to predict the effect of missense changes on protein structure and function are either unavailable or do not agree on the potential impact of this missense change (SIFT: "Not Available"; PolyPhen-2: "Benign"; Align-GVGD: "Not Available").

NM_003190.5(TAPBP):c.778_779delinsGG (p.Thr260Gly)

Gene: TAPBP (TAP binding protein; minus strand). Cytogenetic location: 6p21.32.
Variant type: Indel.
Coding change: c.778_779delinsGG on transcript NM_003190.5 (MANE Select); coding-DNA positions 778 to 779, AC replaced by GG.
Protein change: p.Thr260Gly; replaces threonine 260 with glycine.
Molecular consequence: missense variant.
Genome position (GRCh38, 1-based): chr6:33,305,078-33,305,079, GT replaced by CC on the plus strand (AC replaced by GG on the coding strand, the reverse complement: TAPBP is on the minus strand). VCF-style: chr6-33305078-GT-CC. GRCh37 (hg19) VCF-style: chr6-33272855-GT-CC.
Other names: c.778_779delACinsGG, p.Thr260Gly (NM_001410875.1); c.778_779delinsGG, p.Thr260Gly (NM_172208.3); c.517_518delinsGG, p.Thr173Gly (NM_172209.3); short protein forms T260G, T173G.
Identifiers: ClinVar variation 2103852 (VCV002103852.4), dbSNP rs2536724815, ClinGen allele CA2580074373.